The following is an entry in ClinVar:

NM_012330.4(KAT6B):c.5040C>G (p.Tyr1680Ter)

Gene: KAT6B (lysine acetyltransferase 6B; plus strand). Cytogenetic location: 10q22.2.
Variant type: single nucleotide variant.
Coding change: c.5040C>G on transcript NM_012330.4 (MANE Select); coding-DNA position 5040, C replaced by G.
Protein change: p.Tyr1680Ter; replaces tyrosine 1680 with a stop codon.
Molecular consequence: nonsense.
Genome position (GRCh38, 1-based): chr10:75,029,864, C>G. VCF-style: chr10-75029864-C-G. GRCh37 (hg19) VCF-style: chr10-76789622-C-G.
Other names: c.5040C>G, p.Tyr1680Ter (NM_001370137.1, NM_001370136.1); c.4491C>G, p.Tyr1497Ter (NM_001370138.1, NM_001256468.2); c.4164C>G, p.Tyr1388Ter (NM_001370139.1, NM_001370140.1, NM_001370141.1 and 2 more transcripts); c.3975C>G, p.Tyr1325Ter (NM_001370143.1, NM_001370144.1); c.4002C>G, p.Tyr1334Ter (NM_001370132.1); c.3351C>G, p.Tyr1117Ter (NM_001370133.1); c.2955C>G, p.Tyr985Ter (NM_001370134.1); c.2697C>G, p.Tyr899Ter (NM_001370135.1); short protein forms Y1117*, Y1325*, Y1334*, Y1388*, Y1497*, Y1680*, Y899*, Y985*.
Identifiers: ClinVar variation 1301894 (VCV001301894.3), dbSNP rs369027010, ClinGen allele CA377299782.

ClinVar aggregate classification (germline): Pathogenic (1 of 4 stars; one submission).

Conditions:
Microangiopathy and leukoencephalopathy, pontine, autosomal dominant. Also called: DEMENTIA, HEREDITARY MULTI-INFARCT, SWEDISH TYPE; Pontine autosomal dominant microangiopathy with leukoencephalopathy. Identifiers: Orphanet 477749, MedGen C5231411, MONDO:0032814, OMIM 618564.
Hemorrhage, intracerebral, susceptibility to (ICH). Also called: Stroke, hemorrhagic, susceptibility to. Identifiers: MedGen C3281105, MONDO:0100533, OMIM 614519.
Autosomal dominant familial hematuria-retinal arteriolar tortuosity-contractures syndrome. Also called: Hereditary Angiopathy with Nephropathy, Aneurysms, and Muscle Cramps (HANAC) Syndrome; Angiopathy, hereditary, with nephropathy, aneurysms, and muscle cramps. Identifiers: Orphanet 73229, MedGen C2673195, MONDO:0012726, OMIM 611773.
Retinal arterial tortuosity. Also called: Retinal arteries, tortuosity of; RETINAL HEMORRHAGE WITH VASCULAR TORTUOSITY. Identifiers: Orphanet 75326, MedGen C0423401, MONDO:0008373, OMIM 180000, HP:0000631.
Brain small vessel disease 1 with or without ocular anomalies (BSVD1). Also called: Brain small vessel disease with or without ocular anomalies; GOULD SYNDROME 1; PORENCEPHALY, TYPE 1, AUTOSOMAL DOMINANT; BRAIN SMALL VESSEL DISEASE WITH HEMORRHAGE. Identifiers: Orphanet 2940, Orphanet 36383, Orphanet 99810, MedGen C4755307, MONDO:0008289, OMIM 175780.

Submission:

Rady Children's Institute for Genomic Medicine, Rady Children's Hospital San Diego
Classification: Pathogenic for Brain small vessel disease 1 with or without ocular anomalies; Microangiopathy and leukoencephalopathy, pontine, autosomal dominant; Autosomal dominant familial hematuria-retinal arteriolar tortuosity-contractures syndrome; Hemorrhage, intracerebral, susceptibility to; Retinal arterial tortuosity. Last evaluated: 2020-10-23. Review status: criteria provided, single submitter. Criteria: ACMG Guidelines, 2015. Collection method: clinical testing. Allele origin: germline. Affected: yes.
Comment: This nonsense variant is found in the last exon of KAT6B-related disorders and it is therefore predicted to escape nonsense-mediated mRNA decay (NMD). This variant has not been previously reported or functionally characterized in the literature to our knowledge. However, nonsense variants located downstream of this variant have been reported as disease-causing variants in the Human Gene Mutation Database (PMID: 25424711, 22077973, 23436491, 28232779). It is absent from the gnomAD population database and thus is presumed to be rare. Analysis of the parental samples was negative for this variant, indicating this variant likely occurred as a de novo event. Based on the available evidence, the c.5040C>G (p.Tyr1680Ter) variant is classified as Pathogenic.